The following is an entry in ClinVar:

NM_000744.7(CHRNA4):c.1609C>T (p.Pro537Ser)

Gene: CHRNA4 (cholinergic receptor nicotinic alpha 4 subunit; minus strand). Cytogenetic location: 20q13.33.
Variant type: single nucleotide variant.
Coding change: c.1609C>T on transcript NM_000744.7 (MANE Select); coding-DNA position 1609, C replaced by T.
Protein change: p.Pro537Ser; replaces proline 537 with serine.
Molecular consequence: missense variant. On other transcripts: non-coding transcript variant (1).
Genome position (GRCh38, 1-based): chr20:63,349,802, G>A on the plus strand (C>T on the coding strand, the complement: CHRNA4 is on the minus strand). VCF-style: chr20-63349802-G-A. GRCh37 (hg19) VCF-style: chr20-61981154-G-A.
Other names: c.1081C>T, p.Pro361Ser (NM_001256573.2); short protein forms P537S, P361S.
Identifiers: ClinVar variation 393180 (VCV000393180.13), dbSNP rs758895760, ClinGen allele CA9957568.
Genomic context (GRCh38, chr20:63,349,802, plus strand): 5'-GCGGGGGCGGCGCTTTGGTGCTGCGGGTCTTGACCGTGGCGCTCGGGGACACCGAAGAGG[G>A]CTCCTTCTTGCATGTGCATTTGCACGGAGAGGGCTGGTCTGGGGGTGGGAGCTCAGCCGA-3'
Protein context (NP_000735.1, residues 527-547): SPCKCTCKKE[Pro537Ser]SSVSPSATVK

ClinVar aggregate classification (germline): Conflicting classifications of pathogenicity. Review status: criteria provided, conflicting classifications (1 of 4 stars). 3 submissions from 3 submitters: Uncertain significance (1); Likely benign (2). Last evaluated 2026-06-01.

Conditions:
Familial sleep-related hypermotor epilepsy. Also called: Autosomal Dominant Sleep-Related Hypermotor (Hyperkinetic) Epilepsy. Identifiers: Orphanet 98784, MedGen C3696898, MONDO:0000030.

Allele frequency attached by ClinVar (database versions not stated): ExAC 0.00002; TOPMed 0.00002; gnomAD exomes 0.00004 and 0.00006.
gnomAD v4.1: 22 of 1,605,970 alleles (0.0014%); highest among the groups gnomAD compares: Admixed American, 0.033%; no homozygotes.

Submissions (3):

CeGaT Center for Human Genetics Tuebingen
Classification: Likely benign. Last evaluated: 2026-06-01. Review status: criteria provided, single submitter. Criteria: CeGaT Center For Human Genetics Tuebingen Variant Classification Criteria Version 2. Collection method: clinical testing. Allele origin: germline. Affected: yes. Observed: 1 variant allele.
Comment: CHRNA4: BP4

Labcorp Genetics (formerly Invitae), Labcorp
Classification: Likely benign. Last evaluated: 2025-12-11. Review status: criteria provided, single submitter. Criteria: Invitae Variant Classification Sherloc (09022015). Collection method: clinical testing. Allele origin: germline.

GeneDx
Classification: Uncertain significance. Last evaluated: 2017-01-23. Review status: criteria provided, single submitter. Criteria: GeneDx Variant Classification (06012015). Collection method: clinical testing. Allele origin: germline. Affected: yes.
Comment: A variant of uncertain significance has been identified in the CHRNA4 gene. The P537S variant has not been published as a pathogenic variant, nor has it been reported as a benign variant to our knowledge. The P537S variant is not observed at a significant frequency in large population cohorts (Lek et al., 2016; 1000 Genomes Consortium et al., 2015; Exome Variant Server). The P537S variant is a non-conservative amino acid substitution, which is likely to impact secondary protein structure as these residues differ in polarity, charge, size and/or other properties. However, this substitution occurs at a position that is not conserved and in silico analysis predicts this variant likely does not alter the protein structure/function. Additionally, this amino acid substitution is not predicted to occur within the transmembrane region of the protein, where the vast majority of pathogenic missense variants have been identified in association with epilepsy (Steinlein et al., 2010). Therefore, based on the currently available information, it is unclear whether this variant is a pathogenic variant or a rare benign variant.